The following is an entry in ClinVar:

ClinVar aggregate classification (germline): Uncertain significance (1 of 4 stars; one submission).

Allele frequency attached by ClinVar (database versions not stated): gnomAD exomes below 0.00001.
gnomAD v4.1: 4 of 1,614,152 alleles (0.00025%); highest among the groups gnomAD compares: Non-Finnish European, 0.00034%; no homozygotes.

Submission:

Labcorp Genetics (formerly Invitae), Labcorp
Classification: Uncertain significance. Last evaluated: 2022-03-16. Review status: criteria provided, single submitter. Criteria: Invitae Variant Classification Sherloc (09022015). Collection method: clinical testing. Allele origin: germline.
Comment: This sequence change replaces alanine, which is neutral and non-polar, with threonine, which is neutral and polar, at codon 3061 of the SZT2 protein (p.Ala3061Thr). This variant is not present in population databases (gnomAD no frequency). This variant has not been reported in the literature in individuals affected with SZT2-related conditions. Algorithms developed to predict the effect of missense changes on protein structure and function are either unavailable or do not agree on the potential impact of this missense change (SIFT: "Tolerated"; PolyPhen-2: "Probably Damaging"; Align-GVGD: "Class C0"). In summary, the available evidence is currently insufficient to determine the role of this variant in disease. Therefore, it has been classified as a Variant of Uncertain Significance.

NM_001365999.1(SZT2):c.9352G>A (p.Ala3118Thr)

Gene: SZT2 (SZT2 subunit of KICSTOR complex; plus strand). Cytogenetic location: 1p34.2.
Variant type: single nucleotide variant.
Coding change: c.9352G>A on transcript NM_001365999.1 (MANE Select); coding-DNA position 9352, G replaced by A.
Protein change: p.Ala3118Thr; replaces alanine 3118 with threonine.
Molecular consequence: missense variant.
Genome position (GRCh38, 1-based): chr1:43,447,610, G>A. VCF-style: chr1-43447610-G-A. GRCh37 (hg19) VCF-style: chr1-43913281-G-A.
Other names: c.9181G>A, p.Ala3061Thr (NM_015284.4); c.793G>A, p.Ala265Thr (NM_024547.1); short protein forms A265T, A3061T, A3118T.
Identifiers: ClinVar variation 2113071 (VCV002113071.4), dbSNP rs2545867615, ClinGen allele CA340042820.